The following is an entry in ClinVar:

NM_001040108.2(MLH3):c.3522_3530del (p.Ile1175_Tyr1177del)

Gene: MLH3 (mutL homolog 3; minus strand). Cytogenetic location: 14q24.3.
Variant type: Deletion.
Coding change: c.3522_3530del on transcript NM_001040108.2 (MANE Select); coding-DNA positions 3522 to 3530, 9 bases deleted (CATCTTGTA; older notation c.3522_3530delCATCTTGTA).
Protein change: p.Ile1175_Tyr1177del.
Molecular consequence: inframe indel (on NM_001040108.1).
Genome position (GRCh38, 1-based): chr14:75,039,951-75,039,959, TACAAGATG deleted on the plus strand (CATCTTGTA on the coding strand, the reverse complement: MLH3 is on the minus strand); deleting any 9 consecutive bases within chr14:75,039,951-75,039,960 gives the same sequence; the c. name uses the placement nearest the transcript's 3' end. VCF-style (leftmost placement, unchanged base first): chr14-75039950-ATACAAGATG-A. GRCh37 (hg19) VCF-style: chr14-75506653-ATACAAGATG-A.
Other names: c.3522_3530del, p.Ile1175_Tyr1177del (NM_014381.3); c.3522_3530delCATCTTGTA (NM_001040108.1).
Identifiers: ClinVar variation 5024563 (VCV005024563.1).

ClinVar aggregate classification (germline): Uncertain significance (1 of 4 stars; one submission).

Submission:

Ambry Genetics
Classification: Uncertain significance. Last evaluated: 2026-06-29. Review status: criteria provided, single submitter. Criteria: Ambry Variant Classification Scheme 2023. Collection method: clinical testing. Allele origin: germline.
Comment: The c.3522_3530delCATCTTGTA variant (also known as p.I1175_Y1177del) is located in coding exon 4 of the MLH3 gene. This variant results from an in-frame CATCTTGTA deletion at nucleotide positions 3522 to 3530. This results in the in-frame deletion of 3 amino acids (ILY) at codons 1175 to 1177. These amino acid positions are not well conserved in available vertebrate species. In addition, this variant is predicted to be deleterious by in silico analysis (Choi Y et al. PLoS ONE. 2012; 7(10):e46688). Based on the available evidence, the clinical significance of this variant remains unclear.